The following is an entry in ClinVar:

ClinVar aggregate classification (germline): Uncertain significance (1 of 4 stars; one submission).

Submission:

Dasa
Classification: Uncertain significance. Last evaluated: 2026-06-15. Review status: criteria provided, single submitter. Criteria: DASA Assertion Criteria. Collection method: clinical testing. Allele origin: germline.
Comment: NM_004369.4(COL6A3):c.7318C>A (p.Pro2440Thr) is a missense variant that results in the substitution of proline with threonine. This variant is rare in population databases. Computational prediction algorithms are consistent with a deleterious effect. The currently available literature and clinical evidence are not sufficient to establish a definitive association between this variant and the reported condition. Therefore, this variant is classified as a variant of uncertain significance.

NM_004369.4(COL6A3):c.7318C>A (p.Pro2440Thr)

Gene: COL6A3 (collagen type VI alpha 3 chain; minus strand). Cytogenetic location: 2q37.3.
Variant type: single nucleotide variant.
Coding change: c.7318C>A on transcript NM_004369.4 (MANE Select); coding-DNA position 7318, C replaced by A.
Protein change: p.Pro2440Thr; replaces proline 2440 with threonine.
Molecular consequence: missense variant.
Genome position (GRCh38, 1-based): chr2:237,344,700, G>T on the plus strand (C>A on the coding strand, the complement: COL6A3 is on the minus strand). VCF-style: chr2-237344700-G-T. GRCh37 (hg19) VCF-style: chr2-238253343-G-T.
Other names: c.5497C>A, p.Pro1833Thr (NM_057166.5); c.6700C>A, p.Pro2234Thr (NM_057167.4); short protein forms P1833T, P2234T, P2440T.
Identifiers: ClinVar variation 5020376 (VCV005020376.1).